The following is an entry in ClinVar:

NM_024757.5(EHMT1):c.3329C>T (p.Ser1110Phe)

Gene: EHMT1 (euchromatic histone lysine methyltransferase 1; plus strand). Cytogenetic location: 9q34.3.
Variant type: single nucleotide variant.
Coding change: c.3329C>T on transcript NM_024757.5 (MANE Select); coding-DNA position 3329, C replaced by T.
Protein change: p.Ser1110Phe; replaces serine 1110 with phenylalanine.
Molecular consequence: missense variant.
Genome position (GRCh38, 1-based): chr9:137,816,017, C>T. VCF-style: chr9-137816017-C-T. GRCh37 (hg19) VCF-style: chr9-140710469-C-T.
Other names: c.3308C>T, p.Ser1103Phe (NM_001354263.2); short protein forms S1103F, S1110F.
Identifiers: ClinVar variation 1254225 (VCV001254225.13), dbSNP rs780102096, ClinGen allele CA5375262.

ClinVar aggregate classification (germline): Conflicting classifications of pathogenicity. Review status: criteria provided, conflicting classifications (1 of 4 stars). 5 submissions from 5 submitters: Uncertain significance (4); Likely benign (1). Last evaluated 2026-07-01.

Conditions:
EHMT1-related disorder. Also called: EHMT1-related condition.
Kleefstra syndrome 1 (KLEFS1). Identifiers: Orphanet 261494, MedGen C0795833, MONDO:0027407, OMIM 610253.

Allele frequency attached by ClinVar (database versions not stated): ExAC 0.00001.
gnomAD v4.1: 1 of 1,613,230 alleles (0.000062%); highest among the groups gnomAD compares: Admixed American, 0.0017%; no homozygotes.

Submissions (5):

CeGaT Center for Human Genetics Tuebingen
Classification: Uncertain significance. Last evaluated: 2026-07-01. Review status: criteria provided, single submitter. Criteria: CeGaT Center For Human Genetics Tuebingen Variant Classification Criteria Version 2. Collection method: clinical testing. Allele origin: germline. Affected: yes. Observed: 1 variant allele.

Labcorp Genetics (formerly Invitae), Labcorp
Classification: Likely benign for Kleefstra syndrome 1. Last evaluated: 2025-02-24. Review status: criteria provided, single submitter. Criteria: Invitae Variant Classification Sherloc (09022015). Collection method: clinical testing. Allele origin: germline.

PreventionGenetics, part of Exact Sciences
Classification: Uncertain significance for EHMT1-related condition. Last evaluated: 2023-02-09. Review status: criteria provided, single submitter. Criteria: ACMG Guidelines, 2015. Collection method: clinical testing. Allele origin: germline.
Comment: The EHMT1 c.3329C>T variant is predicted to result in the amino acid substitution p.Ser1110Phe. To our knowledge, this variant has not been reported in the literature or in a large population database, indicating this variant is rare. At this time, the clinical significance of this variant is uncertain due to the absence of conclusive functional and genetic evidence.

Blueprint Genetics
Classification: Uncertain significance. Last evaluated: 2022-09-14. Review status: criteria provided, single submitter. Criteria: ACMG Guidelines, 2015. Collection method: clinical testing. Allele origin: germline.

GeneDx
Classification: Uncertain significance. Last evaluated: 2021-08-28. Review status: criteria provided, single submitter. Criteria: GeneDx Variant Classification Process June 2021. Collection method: clinical testing. Allele origin: germline. Affected: yes.
Comment: Not observed at significant frequency in large population cohorts (Lek et al., 2016); In silico analysis supports that this missense variant has a deleterious effect on protein structure/function; Has not been previously published as pathogenic or benign to our knowledge; This variant is associated with the following publications: (PMID: 27535533)